The following is an entry in ClinVar:

ClinVar aggregate classification (germline): Uncertain significance (1 of 4 stars; one submission).

Conditions:
Renal cell carcinoma. Identifiers: Orphanet 217071, MedGen C0007134, MeSH D002292, MONDO:0005086, HP:0005584.

Submission:

Labcorp Genetics (formerly Invitae), Labcorp
Classification: Uncertain significance for Renal cell carcinoma. Last evaluated: 2020-03-05. Review status: criteria provided, single submitter. Criteria: Invitae Variant Classification Sherloc (09022015). Collection method: clinical testing. Allele origin: germline.
Comment: This sequence change replaces phenylalanine with cysteine at codon 523 of the MET protein (p.Phe523Cys). The phenylalanine residue is moderately conserved and there is a large physicochemical difference between phenylalanine and cysteine. This variant is not present in population databases (ExAC no frequency). This variant has not been reported in the literature in individuals with MET-related conditions. Algorithms developed to predict the effect of missense changes on protein structure and function are either unavailable or do not agree on the potential impact of this missense change (SIFT: "Deleterious"; PolyPhen-2: "Probably Damaging"; Align-GVGD: "Class C0"). In summary, the available evidence is currently insufficient to determine the role of this variant in disease. Therefore, it has been classified as a Variant of Uncertain Significance.

NM_000245.4(MET):c.1568T>G (p.Phe523Cys)

Gene: MET (MET proto-oncogene, receptor tyrosine kinase; plus strand). Cytogenetic location: 7q31.2.
Variant type: single nucleotide variant.
Coding change: c.1568T>G on transcript NM_000245.4 (MANE Select); coding-DNA position 1568, T replaced by G.
Protein change: p.Phe523Cys; replaces phenylalanine 523 with cysteine.
Molecular consequence: missense variant.
Genome position (GRCh38, 1-based): chr7:116,740,892, T>G. VCF-style: chr7-116740892-T-G. GRCh37 (hg19) VCF-style: chr7-116380946-T-G.
Other names: c.1568T>G, p.Phe523Cys (NM_001127500.3, NM_001324401.3); c.278T>G, p.Phe93Cys (NM_001324402.2); short protein forms F523C, F93C.
Identifiers: ClinVar variation 1005796 (VCV001005796.8), dbSNP rs1793420216, ClinGen allele CA368975152.
Genomic context (GRCh38, chr7:116,740,892, plus strand): 5'-TCCACCCCTTCTCTTCACAGATCACGAAGATCCCATTGAATGGCTTGGGCTGCAGACATT[T>G]CCAGTCCTGCAGTCAATGCCTCTCTGCCCCACCCTTTGTTCAGTGTGGCTGGTGCCACGA-3'
Protein context (NP_000236.2, residues 513-533): IPLNGLGCRH[Phe523Cys]QSCSQCLSAP